The following is an entry in ClinVar:

ClinVar aggregate classification (germline): Uncertain significance. Review status: criteria provided, multiple submitters, no conflicts (2 of 4 stars). 2 submissions from 2 submitters: Uncertain significance (2). Last evaluated 2025-03-31.

Conditions:
Developmental and epileptic encephalopathy. Identifiers: MedGen C5779964, MONDO:0100620.
Inborn genetic diseases. Identifiers: MedGen C0950123, MeSH D030342.

Allele frequency attached by ClinVar (database versions not stated): gnomAD exomes below 0.00001; TOPMed 0.00002; gnomAD 0.00001.
gnomAD v4.1: 5 of 1,613,826 alleles (0.00031%); highest among the groups gnomAD compares: Non-Finnish European, 0.00042%; no homozygotes.

Submissions (2):

Ambry Genetics
Classification: Uncertain significance for Inborn genetic diseases. Last evaluated: 2025-03-31. Review status: criteria provided, single submitter. Criteria: Ambry Variant Classification Scheme 2023. Collection method: clinical testing. Allele origin: germline.

Labcorp Genetics (formerly Invitae), Labcorp
Classification: Uncertain significance for Early-infantile DEE. Last evaluated: 2025-02-03. Review status: criteria provided, single submitter. Criteria: Invitae Variant Classification Sherloc (09022015). Collection method: clinical testing. Allele origin: germline.
Comment: This sequence change replaces aspartic acid, which is acidic and polar, with glycine, which is neutral and non-polar, at codon 100 of the CACNA2D2 protein (p.Asp100Gly). This variant is present in population databases (no rsID available, gnomAD 0.007%). This variant has not been reported in the literature in individuals affected with CACNA2D2-related conditions. ClinVar contains an entry for this variant (Variation ID: 978522). An algorithm developed to predict the effect of missense changes on protein structure and function (PolyPhen-2) suggests that this variant is likely to be disruptive. In summary, the available evidence is currently insufficient to determine the role of this variant in disease. Therefore, it has been classified as a Variant of Uncertain Significance.

NM_006030.4(CACNA2D2):c.299A>G (p.Asp100Gly)

Gene: CACNA2D2 (calcium voltage-gated channel auxiliary subunit alpha2delta 2; minus strand). Cytogenetic location: 3p21.31.
Variant type: single nucleotide variant.
Coding change: c.299A>G on transcript NM_006030.4 (MANE Select); coding-DNA position 299, A replaced by G.
Protein change: p.Asp100Gly; replaces aspartic acid 100 with glycine.
Molecular consequence: missense variant.
Genome position (GRCh38, 1-based): chr3:50,434,419, T>C on the plus strand (A>G on the coding strand, the complement: CACNA2D2 is on the minus strand). VCF-style: chr3-50434419-T-C. GRCh37 (hg19) VCF-style: chr3-50471850-T-C.
Other names: c.299A>G, p.Asp100Gly (NM_001005505.3, NM_001174051.3); c.92A>G, p.Asp31Gly (NM_001291101.1); c.299A>G (NM_001174051.1); short protein forms D100G, D31G.
Identifiers: ClinVar variation 978522 (VCV000978522.7), dbSNP rs952080563, ClinGen allele CA74470402.